The following is an entry in ClinVar:

NM_015378.4(VPS13D):c.1058C>G (p.Thr353Ser)

Gene: VPS13D (vacuolar protein sorting 13 homolog D; plus strand). Cytogenetic location: 1p36.22.
Variant type: single nucleotide variant.
Coding change: c.1058C>G on transcript NM_015378.4 (MANE Select); coding-DNA position 1058, C replaced by G.
Protein change: p.Thr353Ser; replaces threonine 353 with serine.
Molecular consequence: missense variant.
Genome position (GRCh38, 1-based): chr1:12,258,051, C>G. VCF-style: chr1-12258051-C-G. GRCh37 (hg19) VCF-style: chr1-12318108-C-G.
Other names: c.1058C>G, p.Thr353Ser (NM_018156.4); short protein forms T353S.
Identifiers: ClinVar variation 1524988 (VCV001524988.8), dbSNP rs903412851, ClinGen allele CA18026823.

ClinVar aggregate classification (germline): Uncertain significance (1 of 4 stars; one submission).

Allele frequency attached by ClinVar (database versions not stated): gnomAD exomes below 0.00001 and 0.00001; gnomAD 0.00001; TOPMed 0.00001.
gnomAD v4.1: 4 of 1,614,104 alleles (0.00025%); highest among the groups gnomAD compares: Non-Finnish European, 0.00034%; no homozygotes.

Submission:

Labcorp Genetics (formerly Invitae), Labcorp
Classification: Uncertain significance. Last evaluated: 2021-05-30. Review status: criteria provided, single submitter. Criteria: Invitae Variant Classification Sherloc (09022015). Collection method: clinical testing. Allele origin: germline.
Comment: In summary, the available evidence is currently insufficient to determine the role of this variant in disease. Therefore, it has been classified as a Variant of Uncertain Significance. Algorithms developed to predict the effect of missense changes on protein structure and function are either unavailable or do not agree on the potential impact of this missense change (SIFT: "Not Available"; PolyPhen-2: "Possibly Damaging"; Align-GVGD: "Not Available"). This variant has not been reported in the literature in individuals with VPS13D-related conditions. This variant is not present in population databases (ExAC no frequency). This sequence change replaces threonine with serine at codon 353 of the VPS13D protein (p.Thr353Ser). The threonine residue is moderately conserved and there is a small physicochemical difference between threonine and serine.